The following is an entry in ClinVar:

ClinVar aggregate classification (germline): Uncertain significance (1 of 4 stars; one submission).

Conditions:
Megalencephaly-polymicrogyria-polydactyly-hydrocephalus syndrome 2 (MPPH2). Also called: MEGALENCEPHALY-POLYMICROGYRIA-POLYDACTYLY-HYDROCEPHALUS SYNDROME 2, SOMATIC. Identifiers: Orphanet 83473, MedGen C4014738, MONDO:0014407, OMIM 615937.

Submission:

Labcorp Genetics (formerly Invitae), Labcorp
Classification: Uncertain significance for Megalencephaly-polymicrogyria-polydactyly-hydrocephalus syndrome 2. Last evaluated: 2022-02-25. Review status: criteria provided, single submitter. Criteria: Invitae Variant Classification Sherloc (09022015). Collection method: clinical testing. Allele origin: germline.
Comment: In summary, the available evidence is currently insufficient to determine the role of this variant in disease. Therefore, it has been classified as a Variant of Uncertain Significance. Advanced modeling of protein sequence and biophysical properties (such as structural, functional, and spatial information, amino acid conservation, physicochemical variation, residue mobility, and thermodynamic stability) performed at Invitae indicates that this missense variant is not expected to disrupt AKT3 protein function. This variant has not been reported in the literature in individuals affected with AKT3-related conditions. This variant is not present in population databases (gnomAD no frequency). This sequence change replaces methionine, which is neutral and non-polar, with valine, which is neutral and non-polar, at codon 176 of the AKT3 protein (p.Met176Val).

NM_005465.7(AKT3):c.526A>G (p.Met176Val)

Gene: AKT3 (AKT serine/threonine kinase 3; minus strand). Cytogenetic location: 1q44.
Variant type: single nucleotide variant.
Coding change: c.526A>G on transcript NM_005465.7 (MANE Select); coding-DNA position 526, A replaced by G.
Protein change: p.Met176Val; replaces methionine 176 with valine.
Molecular consequence: missense variant.
Genome position (GRCh38, 1-based): chr1:243,637,646, T>C on the plus strand (A>G on the coding strand, the complement: AKT3 is on the minus strand). VCF-style: chr1-243637646-T-C. GRCh37 (hg19) VCF-style: chr1-243800948-T-C.
Other names: c.526A>G, p.Met176Val (NM_001206729.2, NM_001370074.1, NM_181690.2); short protein forms M176V.
Identifiers: ClinVar variation 2103681 (VCV002103681.4), dbSNP rs2528154121, ClinGen allele CA345669721.